The following is an entry in ClinVar:

ClinVar aggregate classification (germline): Uncertain significance (1 of 4 stars; one submission).

Submission:

Labcorp Genetics (formerly Invitae), Labcorp
Classification: Uncertain significance. Last evaluated: 2021-03-24. Review status: criteria provided, single submitter. Criteria: Invitae Variant Classification Sherloc (09022015). Collection method: clinical testing. Allele origin: germline.
Comment: This variant is not present in population databases (ExAC no frequency). This sequence change replaces serine with isoleucine at codon 2830 of the FAT4 protein (p.Ser2830Ile). The serine residue is highly conserved and there is a large physicochemical difference between serine and isoleucine. This variant has not been reported in the literature in individuals with FAT4-related conditions. In summary, the available evidence is currently insufficient to determine the role of this variant in disease. Therefore, it has been classified as a Variant of Uncertain Significance. Advanced modeling of protein sequence and biophysical properties (such as structural, functional, and spatial information, amino acid conservation, physicochemical variation, residue mobility, and thermodynamic stability) performed at Invitae indicates that this missense variant is not expected to disrupt FAT4 protein function.

NM_001291303.3(FAT4):c.8495G>T (p.Ser2832Ile)

Gene: FAT4 (FAT atypical cadherin 4; plus strand). Cytogenetic location: 4q28.1.
Variant type: single nucleotide variant.
Coding change: c.8495G>T on transcript NM_001291303.3 (MANE Select); coding-DNA position 8495, G replaced by T.
Protein change: p.Ser2832Ile; replaces serine 2832 with isoleucine.
Molecular consequence: missense variant.
Genome position (GRCh38, 1-based): chr4:125,449,505, G>T. VCF-style: chr4-125449505-G-T. GRCh37 (hg19) VCF-style: chr4-126370660-G-T.
Other names: c.8495G>T, p.Ser2832Ile (NM_001291285.3); c.8489G>T, p.Ser2830Ile (NM_024582.6); short protein forms S2830I, S2832I.
Identifiers: ClinVar variation 1381045 (VCV001381045.8), dbSNP rs778678016, ClinGen allele CA358146341.